The following continues an entry in ClinVar:

NM_006767.4(LZTR1):c.742G>A (p.Gly248Arg)

Gene: LZTR1. ClinVar aggregate classification (germline): Likely pathogenic. Likely pathogenic (1).

Submissions 22 to 31 of 31:

ARUP Laboratories, Molecular Genetics and Genomics, ARUP Laboratories
Classification: Pathogenic. Last evaluated: 2020-05-28. Review status: criteria provided, single submitter. Criteria: ARUP Molecular Germline Variant Investigation Process. Collection method: clinical testing. Allele origin: germline. Not counted in ClinVar's aggregate classification.
Comment: The LZTR1 c.742G>A; p.Gly248Arg variant (rs869320686) is reported in the literature in individuals with Noonan syndrome (Umeki 2018, Jin 2017), is reported to segregate with disease (Yamamoto 2015), and is reported as occurring de novo in some affected individuals (Pagnamenta 2019). The variant is reported as pathogenic or likely pathogenic by several sources in the ClinVar database (Variation ID: 209088) but is absent from general population databases (Exome Variant Server, Genome Aggregation Database), indicating it is not a common polymorphism. The glycine at codon 248 is highly conserved, and computational analyses (SIFT, PolyPhen-2) predict that this variant is deleterious. Additionally, this variant occurs in the Kelch functional domain and transfected variant protein results in enhanced ERK1/2 photphorylation (Motta 2019). Considering available information, this variant is classified as pathogenic. References: Jin SC et al. Contribution of rare inherited and de novo variants in 2,871 congenital heart disease probands. Nat Genet. 2017 Nov;49(11):1593-1601. Motta M et al. Dominant Noonan syndrome-causing LZTR1 mutations specifically affect the Kelch domain substrate-recognition surface and enhance RAS-MAPK signaling. Hum Mol Genet. 2019 Mar 15;28(6):1007-1022. Pagnamenta AT et al. Delineation of dominant and recessive forms of LZTR1-associated Noonan syndrome. Clin Genet. 2019 Jun;95(6):693-703. Umeki I et al. Delineation of LZTR1 mutation-positive patients with Noonan syndrome and identification of LZTR1 binding to RAF1-PPP1CB complexes. Hum Genet. 2019 Jan;138(1):21-35. Yamamoto GL et al. Rare variants in SOS2 and LZTR1 are associated with Noonan syndrome. J Med Genet. 2015 Jun;52(6):413-21.

Cambridge Genomics Laboratory, East Genomic Laboratory Hub, NHS Genomic Medicine Service
Classification: Pathogenic for Noonan syndrome. Last evaluated: 2019-04-17. Review status: criteria provided, single submitter. Criteria: ACGS Best Practice Guidelines for Variant Classification in Rare Disease 2020. Collection method: clinical testing. Allele origin: germline. Affected: yes. Observed: 1 variant allele. Not counted in ClinVar's aggregate classification.

Fulgent Genetics
Classification: Likely pathogenic for LZTR1-related schwannomatosis; Noonan syndrome 10. Last evaluated: 2018-10-31. Review status: criteria provided, single submitter. Criteria: ACMG Guidelines, 2015. Collection method: clinical testing. Allele origin: unknown. Not counted in ClinVar's aggregate classification.

Centre for Human Genetics
Classification: Likely pathogenic for Noonan syndrome 1. Review status: criteria provided, single submitter. Criteria: ACMG Guidelines, 2015. Collection method: clinical testing. Allele origin: de novo. Inheritance: Autosomal dominant inheritance. Affected: yes. Observed: 1 variant allele. Not counted in ClinVar's aggregate classification.
Comment: c.742G>A has been reported in the literature as being causative of Noonan Syndrome And Related Conditions (e.g. Clinton_2020, Umeki_2019, Yamamoto_2015). This amino acid position is highly conserved in available vertebrate species. In addition, this alteration is predicted to be deleterious by in silico analysis. Experimental evidence suggest this variant to upregulate the RAS MAPK pathway. ClinVar contains an entry for this variant (Variation ID: 205685).

Equipe Genetique des Anomalies du Developpement, Université de Bourgogne
Classification: Pathogenic for Fetal cystic hygroma. Review status: criteria provided, single submitter. Criteria: ACMG Guidelines, 2015. Collection method: clinical testing. Allele origin: de novo. Affected: yes. Not counted in ClinVar's aggregate classification.

Juno Genomics, Hangzhou Juno Genomics, Inc
Classification: Pathogenic for LZTR1-related schwannomatosis; Noonan syndrome 2; Noonan syndrome 10. Review status: criteria provided, single submitter. Criteria: ACMG Guidelines, 2015. Collection method: clinical testing. Allele origin: germline. Affected: yes. Not counted in ClinVar's aggregate classification.
Comment: Absent from controls (or at extremely low frequency if recessive) in Genome Aggregation Database.;Well-established in vitro or in vivo functional studies supportive of a damaging effect on the gene or gene product.;The prevalence of the variant in affected individuals is significantly increased compared to the prevalence in controls.;Assumed de novo, but without confirmation of paternity and maternity.;Co-segregation with disease in multiple affected family members.

Laboratorio de Biologia Molecular - Genetica, Hospital de Pediatria Garrahan
Classification: Pathogenic for Noonan syndrome 10. Review status: criteria provided, single submitter. Criteria: Rare variants in SOS2 and LZTR1 are associated with Noonan syndrome. Collection method: clinical testing. Allele origin: germline. Inheritance: Autosomal dominant inheritance. Affected: yes. Observed: 1 heterozygote. Not counted in ClinVar's aggregate classification.

OMIM
Classification: Pathogenic for NOONAN SYNDROME 10. Last evaluated: 2015-06-01. Review status: no assertion criteria provided. Collection method: literature only. Allele origin: germline. Not counted in ClinVar's aggregate classification.

Diagnostic Laboratory, Department of Genetics, University Medical Center Groningen
Classification: Pathogenic. Review status: no assertion criteria provided. Collection method: clinical testing. Allele origin: germline. Affected: yes. Study: VKGL Data-share Consensus. Not counted in ClinVar's aggregate classification.

Joint Genome Diagnostic Labs from Nijmegen and Maastricht, Radboudumc and MUMC+
Classification: Pathogenic. Review status: no assertion criteria provided. Collection method: clinical testing. Allele origin: germline. Affected: yes. Study: VKGL Data-share Consensus. Not counted in ClinVar's aggregate classification.

Literature cited by the submitters: PubMed 30368668 (cited by 4 submitters); PubMed 28973083 (cited by 3billion); PubMed 30859559 (cited by 5 submitters); PubMed 25795793 (cited by 6 submitters); PubMed 30481304 (cited by 3 submitters); PubMed 31533111 (cited by Dasa and Division of Genetic & Genomic Pathology, Hong Kong Children's Hospital); PubMed 31825158 (cited by Dasa and Women's Health and Genetics/Laboratory Corporation of America, LabCorp); PubMed 30442766 (cited by Women's Health and Genetics/Laboratory Corporation of America, LabCorp); PubMed 30442762 (cited by Women's Health and Genetics/Laboratory Corporation of America, LabCorp and OMIM).